The following is an entry in ClinVar:

ClinVar aggregate classification (germline): Conflicting classifications of pathogenicity. Review status: criteria provided, conflicting classifications (1 of 4 stars). 6 submissions from 6 submitters: Uncertain significance (5); Likely benign (1). Last evaluated 2026-01-14.

Conditions:
Cardiofaciocutaneous syndrome 4 (CFC4). Also called: MAP2K2-Related Cardiofaciocutaneous Syndrome. Identifiers: Orphanet 1340, MedGen C3809007, MONDO:0014114, OMIM 615280.
Cardiovascular phenotype. Identifiers: MedGen CN230736.
RASopathy. Also called: rasopathies; Noonan spectrum disorder. Identifiers: Orphanet 536391, MedGen C5555857, MONDO:0021060.

Allele frequency attached by ClinVar (database versions not stated): gnomAD exomes 0.00002; ExAC 0.00003; gnomAD 0.00006 and 0.00007; TOPMed 0.00006.

Submissions (6):

Labcorp Genetics (formerly Invitae), Labcorp
Classification: Uncertain significance for RASopathy. Last evaluated: 2026-01-14. Review status: criteria provided, single submitter. Criteria: Invitae Variant Classification Sherloc (09022015). Collection method: clinical testing. Allele origin: germline.
Comment: This sequence change replaces valine, which is neutral and non-polar, with methionine, which is neutral and non-polar, at codon 202 of the MAP2K2 protein (p.Val202Met). The frequency data for this variant in the population databases is considered unreliable, as metrics indicate poor data quality at this position in the gnomAD database. This variant has not been reported in the literature in individuals affected with MAP2K2-related conditions. ClinVar contains an entry for this variant (Variation ID: 40812). Invitae Evidence Modeling incorporating data from in vitro experimental studies (internal data) indicates that this missense variant is not expected to disrupt MAP2K2 function with a negative predictive value of 95%. In summary, the available evidence is currently insufficient to determine the role of this variant in disease. Therefore, it has been classified as a Variant of Uncertain Significance.

Blueprint Genetics
Classification: Likely benign. Last evaluated: 2024-09-12. Review status: criteria provided, single submitter. Criteria: ACMG Guidelines, 2015. Collection method: clinical testing. Allele origin: germline.

Ambry Genetics
Classification: Uncertain significance for Cardiovascular phenotype. Last evaluated: 2024-06-25. Review status: criteria provided, single submitter. Criteria: Ambry Variant Classification Scheme 2023. Collection method: clinical testing. Allele origin: germline.
Comment: The p.V202M variant (also known as c.604G>A), located in coding exon 6 of the MAP2K2 gene, results from a G to A substitution at nucleotide position 604. The valine at codon 202 is replaced by methionine, an amino acid with highly similar properties. This amino acid position is highly conserved in available vertebrate species. In addition, the in silico prediction for this alteration is inconclusive. Based on the available evidence, the clinical significance of this variant remains unclear.

Fulgent Genetics
Classification: Uncertain significance for Cardiofaciocutaneous syndrome 4. Last evaluated: 2024-05-23. Review status: criteria provided, single submitter. Criteria: ACMG Guidelines, 2015. Collection method: clinical testing. Allele origin: germline.

Revvity Omics, Revvity
Classification: Uncertain significance for Cardiofaciocutaneous syndrome 4. Last evaluated: 2021-09-03. Review status: criteria provided, single submitter. Criteria: ACMG Guidelines, 2015. Collection method: clinical testing. Allele origin: germline.

Women's Health and Genetics/Laboratory Corporation of America, LabCorp
Classification: Uncertain significance. Last evaluated: 2021-08-09. Review status: criteria provided, single submitter. Criteria: LabCorp Variant Classification Summary - May 2015. Collection method: clinical testing. Allele origin: germline.
Comment: Variant summary: MAP2K2 c.604G>A (p.Val202Met) results in a conservative amino acid change located in the Protein kinase domain (IPR000719) of the encoded protein sequence. Three of five in-silico tools predict a damaging effect of the variant on protein function. The variant allele was found at a frequency of 2.1e-05 in 239212 control chromosomes. The available data on variant occurrences in the general population are insufficient to allow any conclusion about variant significance. To our knowledge, no occurrence of c.604G>A in individuals affected with Cardiofaciocutaneous Syndrome and no experimental evidence demonstrating its impact on protein function have been reported. One clinical diagnostic laboratory has submitted clinical-significance assessments for this variant to ClinVar after 2014 without evidence for independent evaluation and classified the variant as uncertain significance. Based on the evidence outlined above, the variant was classified as uncertain significance.

NM_030662.4(MAP2K2):c.604G>A (p.Val202Met)

Gene: MAP2K2 (mitogen-activated protein kinase kinase 2; minus strand). Cytogenetic location: 19p13.3.
Variant type: single nucleotide variant.
Coding change: c.604G>A on transcript NM_030662.4 (MANE Select); coding-DNA position 604, G replaced by A.
Protein change: p.Val202Met; replaces valine 202 with methionine.
Molecular consequence: missense variant.
Genome position (GRCh38, 1-based): chr19:4,101,120, C>T on the plus strand (G>A on the coding strand, the complement: MAP2K2 is on the minus strand). VCF-style: chr19-4101120-C-T. GRCh37 (hg19) VCF-style: chr19-4101118-C-T.
Other names: short protein forms V202M.
Identifiers: ClinVar variation 40812 (VCV000040812.15), dbSNP rs769471250, ClinGen allele CA9090865.